The following is an entry in ClinVar:

ClinVar aggregate classification (germline): Uncertain significance (1 of 4 stars; one submission).

Conditions:
Epileptic encephalopathy. Identifiers: MedGen C0543888, HP:0200134.

gnomAD v4.1: 1 of 1,551,334 alleles (0.000064%); highest among the groups gnomAD compares: Admixed American, 0.002%; no homozygotes.

Submission:

Labcorp Genetics (formerly Invitae), Labcorp
Classification: Uncertain significance for Epileptic encephalopathy. Last evaluated: 2022-05-20. Review status: criteria provided, single submitter. Criteria: Invitae Variant Classification Sherloc (09022015). Collection method: clinical testing. Allele origin: germline.
Comment: This sequence change replaces serine, which is neutral and polar, with phenylalanine, which is neutral and non-polar, at codon 1490 of the FASN protein (p.Ser1490Phe). This variant is not present in population databases (gnomAD no frequency). This variant has not been reported in the literature in individuals affected with FASN-related conditions. Algorithms developed to predict the effect of missense changes on protein structure and function are either unavailable or do not agree on the potential impact of this missense change (SIFT: "Deleterious"; PolyPhen-2: "Benign"; Align-GVGD: "Class C0"). In summary, the available evidence is currently insufficient to determine the role of this variant in disease. Therefore, it has been classified as a Variant of Uncertain Significance.

NM_004104.5(FASN):c.4469C>T (p.Ser1490Phe)

Gene: FASN (fatty acid synthase; minus strand). Cytogenetic location: 17q25.3.
Variant type: single nucleotide variant.
Coding change: c.4469C>T on transcript NM_004104.5 (MANE Select); coding-DNA position 4469, C replaced by T.
Protein change: p.Ser1490Phe; replaces serine 1490 with phenylalanine.
Molecular consequence: missense variant.
Genome position (GRCh38, 1-based): chr17:82,084,894, G>A on the plus strand (C>T on the coding strand, the complement: FASN is on the minus strand). VCF-style: chr17-82084894-G-A. GRCh37 (hg19) VCF-style: chr17-80042770-G-A.
Other names: short protein forms S1490F.
Identifiers: ClinVar variation 2100595 (VCV002100595.4), dbSNP rs915330836, ClinGen allele CA295129517.